The following is an entry in ClinVar:

ClinVar aggregate classification (germline): Uncertain significance (0 of 4 stars; one submission).

Conditions:
IFT172-related disorder. Also called: IFT172-related disorders; IFT172-related condition.

gnomAD v4.1: 4 of 1,614,050 alleles (0.00025%); highest among the groups gnomAD compares: Admixed American, 0.005%; no homozygotes.

Submission:

PreventionGenetics, part of Exact Sciences
Classification: Uncertain significance for IFT172-related condition. Last evaluated: 2024-05-09. Review status: no assertion criteria provided. Collection method: clinical testing. Allele origin: germline.
Comment: The IFT172 c.2821A>G variant is predicted to result in the amino acid substitution p.Thr941Ala. To our knowledge, this variant has not been reported in the literature. This variant is reported in 0.0058% of alleles in individuals of Latino descent in gnomAD. At this time, the clinical significance of this variant is uncertain due to the absence of conclusive functional and genetic evidence.

NM_015662.3(IFT172):c.2821A>G (p.Thr941Ala)

Genes: IFT172 (intraflagellar transport 172; minus strand), LOC126806174 (CDK7 strongly-dependent group 2 enhancer GRCh37_chr2:27681686-27682885; plus strand). Cytogenetic location: 2p23.3.
Variant type: single nucleotide variant.
Coding change: c.2821A>G on transcript NM_015662.3 (MANE Select); coding-DNA position 2821, A replaced by G.
Protein change: p.Thr941Ala; replaces threonine 941 with alanine.
Molecular consequence: missense variant.
Genome position (GRCh38, 1-based): chr2:27,458,835, T>C on the plus strand (A>G on the coding strand, the complement: IFT172 is on the minus strand). VCF-style: chr2-27458835-T-C. GRCh37 (hg19) VCF-style: chr2-27681702-T-C.
Other names: c.2755A>G, p.Thr919Ala (NM_001410739.1); short protein forms T919A, T941A.
Identifiers: ClinVar variation 3351095 (VCV003351095.1).